The following is an entry in ClinVar:

NM_004959.5(NR5A1):c.241G>A (p.Glu81Lys)

Gene: NR5A1 (nuclear receptor subfamily 5 group A member 1; minus strand). Cytogenetic location: 9q33.3.
Variant type: single nucleotide variant.
Coding change: c.241G>A on transcript NM_004959.5 (MANE Select); coding-DNA position 241, G replaced by A.
Protein change: p.Glu81Lys; replaces glutamic acid 81 with lysine.
Molecular consequence: missense variant.
Genome position (GRCh38, 1-based): chr9:124,503,082, C>T on the plus strand (G>A on the coding strand, the complement: NR5A1 is on the minus strand). VCF-style: chr9-124503082-C-T. GRCh37 (hg19) VCF-style: chr9-127265361-C-T.
Other names: short protein forms E81K.
Identifiers: ClinVar variation 2950460 (VCV002950460.3), dbSNP rs2538687063, ClinGen allele CA374890057.
Genomic context (GRCh38, chr9:124,503,082, plus strand): 5'-ACCCCCTACCCCCTCAGGCTGTGGGGGGTCAGGGGTCGAGGCCCGCGCGGCGCGCACCTT[C>T]CAGGCGCATCCCCACCGTCAGGCATTTCTGGAAGCGGCAGAAGGGACAGCGCTTGCGCTG-3'
Protein context (NP_004950.2, residues 71-91): QKCLTVGMRL[Glu81Lys]AVRADRMRGG

ClinVar aggregate classification (germline): Uncertain significance (1 of 4 stars; one submission).

Conditions:
Oligosynaptic infertility (SPGF1). Also called: SPERMATOGENIC FAILURE 1; OLIGOCHIASMATIC INFERTILITY. Identifiers: MedGen C0403810, MONDO:0009776, OMIM 258150.
46 XY differences of sex development. Also called: 46, XY disorder of sex development (DSD); 46,XY disorder of sex development. Identifiers: Orphanet 98085, MedGen C2751824, MONDO:0020040.

Submission:

Labcorp Genetics (formerly Invitae), Labcorp
Classification: Uncertain significance for 46 XY differences of sex development; Oligosynaptic infertility. Last evaluated: 2023-07-29. Review status: criteria provided, single submitter. Criteria: Invitae Variant Classification Sherloc (09022015). Collection method: clinical testing. Allele origin: germline.
Comment: Advanced modeling of protein sequence and biophysical properties (such as structural, functional, and spatial information, amino acid conservation, physicochemical variation, residue mobility, and thermodynamic stability) performed at Invitae indicates that this missense variant is not expected to disrupt NR5A1 protein function. Algorithms developed to predict the effect of sequence changes on RNA splicing suggest that this variant may disrupt the consensus splice site. In summary, the available evidence is currently insufficient to determine the role of this variant in disease. Therefore, it has been classified as a Variant of Uncertain Significance. This variant has not been reported in the literature in individuals affected with NR5A1-related conditions. This variant is not present in population databases (gnomAD no frequency). This sequence change replaces glutamic acid, which is acidic and polar, with lysine, which is basic and polar, at codon 81 of the NR5A1 protein (p.Glu81Lys).